The following is an entry in ClinVar:

ClinVar aggregate classification (germline): Uncertain significance (1 of 4 stars; one submission).

Conditions:
Cardiovascular phenotype. Identifiers: MedGen CN230736.

Submission:

Ambry Genetics
Classification: Uncertain significance for Cardiovascular phenotype. Last evaluated: 2018-02-28. Review status: criteria provided, single submitter. Criteria: Ambry Variant Classification Scheme 2023. Collection method: clinical testing. Allele origin: germline.
Comment: The p.W2573S variant (also known as c.7718G>C), located in coding exon 26 of the APOB gene, results from a G to C substitution at nucleotide position 7718. The tryptophan at codon 2573 is replaced by serine, an amino acid with highly dissimilar properties. This amino acid position is not well conserved in available vertebrate species. In addition, this alteration is predicted to be tolerated by in silico analysis. Since supporting evidence is limited at this time, the clinical significance of this alteration remains unclear.

NM_000384.3(APOB):c.7718G>C (p.Trp2573Ser)

Gene: APOB (apolipoprotein B; minus strand). Cytogenetic location: 2p24.1.
Variant type: single nucleotide variant.
Coding change: c.7718G>C on transcript NM_000384.3 (MANE Select); coding-DNA position 7718, G replaced by C.
Protein change: p.Trp2573Ser; replaces tryptophan 2573 with serine.
Molecular consequence: missense variant.
Genome position (GRCh38, 1-based): chr2:21,009,150, C>G on the plus strand (G>C on the coding strand, the complement: APOB is on the minus strand). VCF-style: chr2-21009150-C-G. GRCh37 (hg19) VCF-style: chr2-21232022-C-G.
Other names: short protein forms W2573S.
Identifiers: ClinVar variation 920632 (VCV000920632.4), dbSNP rs1663235432, ClinGen allele CA345996342.